The following is an entry in ClinVar:

ClinVar aggregate classification (germline): Likely pathogenic. Review status: criteria provided, multiple submitters, no conflicts (2 of 4 stars). 6 submissions from 5 submitters: Likely pathogenic (5). 1 of the submissions does not count toward it. Last evaluated 2024-06-17.

Conditions:
Perrault syndrome. Also called: Gonadal dysgenesis with auditory dysfunction, autosomal recessive inheritance. Identifiers: Orphanet 2855, MedGen C0685838, MONDO:0017312.
Bifunctional peroxisomal enzyme deficiency (DBIF). Also called: DBP DEFICIENCY; PBFE DEFICIENCY; D-bifunctional protein deficiency. Identifiers: Orphanet 300, MedGen C0342870, MONDO:0009855, OMIM 261515. Disease mechanism: loss of function.
Perrault syndrome 1 (PRLTS1). Also called: GONADAL DYSGENESIS, XX TYPE, WITH DEAFNESS; OVARIAN DYSGENESIS WITH SENSORINEURAL DEAFNESS. Identifiers: Orphanet 2855, Orphanet 642945, MedGen C4551721, MONDO:0009300, OMIM 233400.

Allele frequency attached by ClinVar (database versions not stated): gnomAD 0.00001.
gnomAD v4.1: 1 of 1,613,566 alleles (0.000062%); highest among the groups gnomAD compares: Admixed American, 0.0017%; no homozygotes.

Submissions (6):

3billion
Classification: Likely pathogenic for Bifunctional peroxisomal enzyme deficiency. Last evaluated: 2024-06-17. Review status: criteria provided, single submitter. Criteria: ACMG Guidelines, 2015. Collection method: clinical testing. Allele origin: germline. Affected: yes.
Comment: The variant is observed at an extremely low frequency in the gnomAD v4.0.0 dataset (total allele frequency: <0.001%). Predicted Consequence/Location: The majority of the known disease-causing variants of this gene are variants expected to result in premature termination of the protein. In silico tool predictions suggest damaging effect of the variant on gene or gene product [REVEL: 0.76 (>=0.6, sensitivity 0.68 and specificity 0.92)]. The same nucleotide change resulting in the same amino acid change has been previously reported as pathogenic/likely pathogenic with strong evidence (ClinVar ID: VCV000191199 /PMID: 27124789). Therefore, this variant is classified as Likely pathogenic according to the recommendation of ACMG/AMP guideline.

Genomic Medicine Center of Excellence, King Faisal Specialist Hospital and Research Centre
Classification: Likely pathogenic for Perrault syndrome 1. Last evaluated: 2024-03-17. Review status: criteria provided, single submitter. Criteria: ACMG Guidelines, 2015. Collection method: research. Allele origin: germline.

Labcorp Genetics (formerly Invitae), Labcorp
Classification: Likely pathogenic for Perrault syndrome; Bifunctional peroxisomal enzyme deficiency. Last evaluated: 2023-10-23. Review status: criteria provided, single submitter. Criteria: Invitae Variant Classification Sherloc (09022015). Collection method: clinical testing. Allele origin: germline.
Comment: This sequence change replaces asparagine, which is neutral and polar, with aspartic acid, which is acidic and polar, at codon 176 of the HSD17B4 protein (p.Asn176Asp). This variant is not present in population databases (gnomAD no frequency). This missense change has been observed in individuals with D-bifunctional protein deficiency (PMID: 16385454, 30561787). ClinVar contains an entry for this variant (Variation ID: 191199). Advanced modeling of protein sequence and biophysical properties (such as structural, functional, and spatial information, amino acid conservation, physicochemical variation, residue mobility, and thermodynamic stability) has been performed at Invitae for this missense variant, however the output from this modeling did not meet the statistical confidence thresholds required to predict the impact of this variant on HSD17B4 protein function. Experimental studies have shown that this missense change affects HSD17B4 function (PMID: 23308274). In summary, the currently available evidence indicates that the variant is pathogenic, but additional data are needed to prove that conclusively. Therefore, this variant has been classified as Likely Pathogenic.

Women's Health and Genetics/Laboratory Corporation of America, LabCorp
Classification: Likely pathogenic for Bifunctional peroxisomal enzyme deficiency. Last evaluated: 2023-06-07. Review status: criteria provided, single submitter. Criteria: LabCorp Variant Classification Summary - May 2015. Collection method: clinical testing. Allele origin: germline.
Comment: Variant summary: HSD17B4 c.526A>G (p.Asn176Asp) results in a conservative amino acid change in the encoded protein sequence. Four of five in-silico tools predict a damaging effect of the variant on protein function. The variant was absent in 251078 control chromosomes. c.526A>G has been reported in the literature in the homozygous state in at least two individuals affected with HSD17B4-related conditions (e.g., Abouelhoda_2016, Alshenaifi_2019, Shamseldin_2021) . These data indicate that the variant is likely to be associated with disease. To our knowledge, no experimental evidence demonstrating an impact on protein function has been reported. The following publications have been ascertained in the context of this evaluation (PMID: 27124789, 30561787, 34645488). One ClinVar submitter has submitted clinical-significance assessments for this variant to ClinVar after 2014 without evidence for independent evaluation, and classified the variant as likely pathogenic. Based on the evidence outlined above, the variant was classified as likely pathogenic.

Juno Genomics, Hangzhou Juno Genomics, Inc
Classification: Likely pathogenic for Bifunctional peroxisomal enzyme deficiency; Perrault syndrome 1. Review status: criteria provided, single submitter. Criteria: ACMG Guidelines, 2015. Collection method: clinical testing. Allele origin: germline.
Comment: Absent from controls (or at extremely low frequency if recessive) in Genome Aggregation Database.;Multiple lines of computational evidence support a deleterious effect on the gene or gene product.;For recessive disorders, detected in trans with a pathogenic variant.;Patient's phenotype or family history is highly specific for a disease with a single genetic etiology.

Genomic Medicine Center of Excellence, King Faisal Specialist Hospital and Research Centre
Classification: Likely pathogenic. Review status: flagged submission. Criteria: ACMG Guidelines, 2015. Collection method: research. Allele origin: germline. Affected: yes. Not counted in ClinVar's aggregate classification.
ClinVar note: Reason: This record appears to be redundant with a more recent record from the same submitter.
ClinVar note: Notes: SCV000221582 appears to be redundant with SCV004805083.

Literature cited by the submitters: PubMed 27124789 (cited by 3billion and Women's Health and Genetics/Laboratory Corporation of America, LabCorp); PubMed 16385454 (cited by Labcorp Genetics (formerly Invitae), Labcorp); PubMed 30561787 (cited by Labcorp Genetics (formerly Invitae), Labcorp and Women's Health and Genetics/Laboratory Corporation of America, LabCorp); PubMed 23308274 (cited by Labcorp Genetics (formerly Invitae), Labcorp); PubMed 34645488 (cited by Women's Health and Genetics/Laboratory Corporation of America, LabCorp).

NM_000414.4(HSD17B4):c.526A>G (p.Asn176Asp)

Gene: HSD17B4 (hydroxysteroid 17-beta dehydrogenase 4; plus strand). Cytogenetic location: 5q23.1.
Variant type: single nucleotide variant.
Coding change: c.526A>G on transcript NM_000414.4 (MANE Select); coding-DNA position 526, A replaced by G.
Protein change: p.Asn176Asp; replaces asparagine 176 with aspartic acid.
Molecular consequence: missense variant.
Genome position (GRCh38, 1-based): chr5:119,478,925, A>G. VCF-style: chr5-119478925-A-G. GRCh37 (hg19) VCF-style: chr5-118814620-A-G.
Other names: c.601A>G, p.Asn201Asp (NM_001199291.3); c.472A>G, p.Asn158Asp (NM_001199292.2); c.454A>G, p.Asn152Asp (NM_001292027.2); c.106A>G, p.Asn36Asp (NM_001292028.2); c.526A>G (NM_000414.3); short protein forms N176D, N201D, N36D, N152D, N158D.
Identifiers: ClinVar variation 191199 (VCV000191199.10), dbSNP rs775766910, ClinGen allele CA236237.